The following is an entry in ClinVar:

NM_001375808.2(LPIN2):c.1168+6C>T

Gene: LPIN2 (lipin 2; minus strand). Cytogenetic location: 18p11.31.
Variant type: single nucleotide variant.
Coding change: c.1168+6C>T on transcript NM_001375808.2 (MANE Select); 6 bases into the intron after coding-DNA position 1168, C replaced by T.
Molecular consequence: intron variant.
Genome position (GRCh38, 1-based): chr18:2,937,686, G>A on the plus strand (C>T on the coding strand, the complement: LPIN2 is on the minus strand). VCF-style: chr18-2937686-G-A. GRCh37 (hg19) VCF-style: chr18-2937684-G-A.
Other names: p.?; c.1168+6C>T (NM_014646.2, NM_001375809.1).
Identifiers: ClinVar variation 326645 (VCV000326645.19), dbSNP rs200130790, ClinGen allele CA8873194.

ClinVar aggregate classification (germline): Conflicting classifications of pathogenicity. Review status: criteria provided, conflicting classifications (1 of 4 stars). 8 submissions from 8 submitters: Uncertain significance (3); Likely benign (3). 2 of the submissions do not count toward it. Last evaluated 2025-07-09.

Conditions:
Autoinflammatory syndrome. Identifiers: Orphanet 93665, MedGen C3890737, MONDO:0019751.
Majeed syndrome (MJDS). Also called: LPIN2-Related Majeed Syndrome; CHRONIC RECURRENT MULTIFOCAL OSTEOMYELITIS 1, WITH CONGENITAL DYSERYTHROPOIETIC ANEMIA, WITH OR WITHOUT NEUTROPHILIC DERMATOSIS. Identifiers: Orphanet 77297, MedGen C1864997, MONDO:0012316, OMIM 609628.

Allele frequency attached by ClinVar (database versions not stated): 1000 Genomes Project 30x 0.00016; 1000 Genomes Project 0.00020; ESP Exome Variant Server 0.00023; gnomAD 0.00024 and 0.00026; TOPMed 0.00024; gnomAD exomes 0.00030 and 0.00033; ExAC 0.00038.
gnomAD v4.1: 516 of 1,612,314 alleles (0.032%); highest among the groups gnomAD compares: Non-Finnish European, 0.039%; no homozygotes.

Submissions (8):

Women's Health and Genetics/Laboratory Corporation of America, LabCorp
Classification: Uncertain significance. Last evaluated: 2025-07-09. Review status: criteria provided, single submitter. Criteria: LabCorp Variant Classification Summary - May 2015. Collection method: clinical testing. Allele origin: germline.
Comment: Variant summary: LPIN2 c.1168+6C>T alters a nucleotide located close to a canonical splice site and therefore could affect mRNA splicing, leading to a significantly altered protein sequence. Several computational tools predict a significant impact on normal splicing: Three predict the variant strengthens a 5' donor site. One predict the variant no significant impact on splicing. However, these predictions have yet to be confirmed by functional studies. The variant allele was found at a frequency of 0.00029 in 282088 control chromosomes. This frequency is not significantly higher than estimated for a pathogenic variant in LPIN2 causing Majeed syndrome (0.00029 vs 0.0011), allowing no conclusion about variant significance. To our knowledge, no occurrence of c.1168+6C>T in individuals affected with Majeed syndrome and no experimental evidence demonstrating its impact on protein function have been reported. ClinVar contains an entry for this variant (Variation ID: 326645). Based on the evidence outlined above, the variant was classified as uncertain significance.

Mayo Clinic Laboratories, Mayo Clinic
Classification: Likely benign. Last evaluated: 2025-02-18. Review status: criteria provided, single submitter. Criteria: ACMG Guidelines, 2015. Collection method: clinical testing. Allele origin: germline. Observed: 1 variant allele.
Comment: BP4, BP7

Blueprint Genetics
Classification: Likely benign. Last evaluated: 2024-11-23. Review status: criteria provided, single submitter. Criteria: ACMG Guidelines, 2015. Collection method: clinical testing. Allele origin: germline.

Labcorp Genetics (formerly Invitae), Labcorp
Classification: Uncertain significance for Majeed syndrome. Last evaluated: 2022-10-13. Review status: criteria provided, single submitter. Criteria: Invitae Variant Classification Sherloc (09022015). Collection method: clinical testing. Allele origin: germline.
Comment: This sequence change falls in intron 7 of the LPIN2 gene. It does not directly change the encoded amino acid sequence of the LPIN2 protein. It affects a nucleotide within the consensus splice site. This variant is present in population databases (rs200130790, gnomAD 0.05%). This variant has not been reported in the literature in individuals affected with LPIN2-related conditions. ClinVar contains an entry for this variant (Variation ID: 326645). Variants that disrupt the consensus splice site are a relatively common cause of aberrant splicing (PMID: 17576681, 9536098). Algorithms developed to predict the effect of sequence changes on RNA splicing suggest that this variant is not likely to affect RNA splicing. In summary, the available evidence is currently insufficient to determine the role of this variant in disease. Therefore, it has been classified as a Variant of Uncertain Significance.

GeneDx
Classification: Likely benign. Last evaluated: 2018-04-05. Review status: criteria provided, single submitter. Criteria: GeneDx Variant Classification Process June 2021. Collection method: clinical testing. Allele origin: germline. Affected: yes.

Genome Diagnostics Laboratory, The Hospital for Sick Children
Classification: Uncertain significance for Autoinflammatory syndrome. Last evaluated: 2017-10-02. Review status: criteria provided, single submitter. Criteria: ACMG Guidelines, 2015. Collection method: clinical testing. Allele origin: germline. Affected: yes.

Clinical Genetics DNA and cytogenetics Diagnostics Lab, Erasmus MC, Erasmus Medical Center
Classification: Likely benign. Review status: no assertion criteria provided. Collection method: clinical testing. Allele origin: germline. Affected: yes. Study: VKGL Data-share Consensus. Not counted in ClinVar's aggregate classification.

Genome Diagnostics Laboratory, University Medical Center Utrecht
Classification: Likely benign. Review status: no assertion criteria provided. Collection method: clinical testing. Allele origin: germline. Affected: yes. Study: VKGL Data-share Consensus. Not counted in ClinVar's aggregate classification.

Literature cited by the submitters: PubMed 17576681 (cited by Labcorp Genetics (formerly Invitae), Labcorp); PubMed 9536098 (cited by Labcorp Genetics (formerly Invitae), Labcorp).